The following is an entry in ClinVar:

NM_173651.4(FSIP2):c.8917_8920dup (p.Thr2974fs)

Genes: FSIP2 (fibrous sheath interacting protein 2; plus strand), FSIP2-AS1 (FSIP2 antisense RNA 1; minus strand). Cytogenetic location: 2q32.1.
Variant type: Duplication.
Coding change: c.8917_8920dup on transcript NM_173651.4 (MANE Select); coding-DNA positions 8917 to 8920, 4 bases duplicated (AACA; older notation c.8917_8920dupAACA).
Protein change: p.Thr2974fs; shifts the reading frame from threonine 2974.
Molecular consequence: frameshift variant.
Genome position (GRCh38, 1-based): chr2:185,796,053-185,796,056, AACA duplicated. VCF-style (leftmost placement, unchanged base first): chr2-185796052-T-TAACA. GRCh37 (hg19) VCF-style: chr2-186660779-T-TAACA.
Other names: short protein forms T2974fs.
Identifiers: ClinVar variation 5019375 (VCV005019375.2).
Genomic context (GRCh38, chr2:185,796,052, plus strand): 5'-TACTGCTAAAAGTAAATATGGTTTTCCAAACAAGCATAGCCTCAGCAGTTTACCAATCTA[T>TAACA]AACACAAAGACAAAAGACCAAATTTCTGTGGGCTCCAGCAACCAAATTGTTCAAGAGATT-3'

ClinVar aggregate classification (germline): Likely pathogenic (1 of 4 stars; one submission).

Conditions:
Spermatogenic failure 34. Identifiers: MedGen C4748403, MONDO:0029148, OMIM 618153.

Submission:

Juno Genomics, Hangzhou Juno Genomics, Inc
Classification: Likely pathogenic for Spermatogenic failure 34. Review status: criteria provided, single submitter. Criteria: ACMG Guidelines, 2015. Collection method: clinical testing. Allele origin: germline.
Comment: Absent from controls (or at extremely low frequency if recessive) in Genome Aggregation Database.;Null variant in a gene where loss of function (LOF) is a known mechanism of disease.